The following is an entry in ClinVar:

ClinVar aggregate classification (germline): Uncertain significance (1 of 4 stars; one submission).

Conditions:
Arginine:glycine amidinotransferase deficiency (CCDS3). Also called: L-Arginine:Glycine Amidinotransferase (AGAT) Deficiency; AGAT deficiency; L-Arginine:Glycine Amidinotransferase Deficiency; Creatine deficiency syndrome due to AGAT deficiency; GATM deficiency; Cerebral creatine deficiency syndrome 3. Identifiers: Orphanet 35704, MedGen C2675179, MONDO:0012996, OMIM 612718.

Submission:

Labcorp Genetics (formerly Invitae), Labcorp
Classification: Uncertain significance for Arginine:glycine amidinotransferase deficiency. Last evaluated: 2023-04-28. Review status: criteria provided, single submitter. Criteria: Invitae Variant Classification Sherloc (09022015). Collection method: clinical testing. Allele origin: germline.
Comment: In summary, the available evidence is currently insufficient to determine the role of this variant in disease. Therefore, it has been classified as a Variant of Uncertain Significance. Advanced modeling of protein sequence and biophysical properties (such as structural, functional, and spatial information, amino acid conservation, physicochemical variation, residue mobility, and thermodynamic stability) performed at Invitae indicates that this missense variant is not expected to disrupt GATM protein function. This variant has not been reported in the literature in individuals affected with GATM-related conditions. This variant is not present in population databases (gnomAD no frequency). This sequence change replaces aspartic acid, which is acidic and polar, with asparagine, which is neutral and polar, at codon 298 of the GATM protein (p.Asp298Asn).

NM_001482.3(GATM):c.892G>A (p.Asp298Asn)

Gene: GATM (glycine amidinotransferase; minus strand). Cytogenetic location: 15q21.1.
Variant type: single nucleotide variant.
Coding change: c.892G>A on transcript NM_001482.3 (MANE Select); coding-DNA position 892, G replaced by A.
Protein change: p.Asp298Asn; replaces aspartic acid 298 with asparagine.
Molecular consequence: missense variant.
Genome position (GRCh38, 1-based): chr15:45,366,132, C>T on the plus strand (G>A on the coding strand, the complement: GATM is on the minus strand). VCF-style: chr15-45366132-C-T. GRCh37 (hg19) VCF-style: chr15-45658330-C-T.
Other names: c.505G>A, p.Asp169Asn (NM_001321015.2); short protein forms D298N, D169N.
Identifiers: ClinVar variation 2860315 (VCV002860315.3), dbSNP rs2541988327, ClinGen allele CA392257862.